The following is an entry in ClinVar:

ClinVar aggregate classification (germline): Pathogenic (1 of 4 stars; one submission).

Submission:

Labcorp Genetics (formerly Invitae), Labcorp
Classification: Pathogenic. Last evaluated: 2023-04-16. Review status: criteria provided, single submitter. Criteria: Invitae Variant Classification Sherloc (09022015). Collection method: clinical testing. Allele origin: germline.
Comment: This sequence change creates a premature translational stop signal (p.Cys364*) in the LAMC3 gene. It is expected to result in an absent or disrupted protein product. Loss-of-function variants in LAMC3 are known to be pathogenic (PMID: 21572413, 26802095). For these reasons, this variant has been classified as Pathogenic. This variant has not been reported in the literature in individuals affected with LAMC3-related conditions. The frequency data for this variant in the population databases is considered unreliable, as metrics indicate poor data quality at this position in the gnomAD database.

Literature cited by the submitters: PubMed 21572413; PubMed 26802095.

NM_006059.4(LAMC3):c.1092_1093del (p.Cys364_Glu365delinsTer)

Gene: LAMC3 (laminin subunit gamma 3; plus strand). Cytogenetic location: 9q34.12.
Variant type: Microsatellite.
Coding change: c.1092_1093del on transcript NM_006059.4 (MANE Select); coding-DNA positions 1092 to 1093, 2 bases deleted (TG; older notation c.1092_1093delTG).
Protein change: p.Cys364_Glu365delinsTer.
Molecular consequence: nonsense.
Genome position (GRCh38, 1-based): chr9:131,038,979-131,038,980, TG deleted; deleting any 2 consecutive bases within chr9:131,038,977-131,038,980 gives the same sequence; the c. name uses the placement nearest the transcript's 3' end. VCF-style (leftmost placement, unchanged base first): chr9-131038976-CTG-C. GRCh37 (hg19) VCF-style: chr9-133914363-CTG-C.
Identifiers: ClinVar variation 2999163 (VCV002999163.3), dbSNP rs754797409, ClinGen allele CA5286934.